The following is an entry in ClinVar:

ClinVar aggregate classification (germline): Benign/Likely benign. Review status: criteria provided, multiple submitters, no conflicts (2 of 4 stars). 8 submissions from 7 submitters: Benign (1); Likely benign (7). Last evaluated 2026-01-26.

Conditions:
Cardiovascular phenotype. Identifiers: MedGen CN230736.
Osteogenesis imperfecta type I (OI1). Also called: Osteogenesis imperfecta type 1; OI, TYPE I; OSTEOGENESIS IMPERFECTA TARDA; OSTEOGENESIS IMPERFECTA WITH BLUE SCLERAE; Lobstein disease; Lobstein's Disease. Identifiers: Orphanet 216796, Orphanet 666, MedGen C0023931, MONDO:0008146, OMIM 166200. Disease mechanism: loss of function.
Ehlers-Danlos syndrome, classic type, 1 (EDSCL1). Also called: EHLERS-DANLOS SYNDROME, GRAVIS TYPE; EHLERS-DANLOS SYNDROME, SEVERE CLASSIC TYPE; Ehlers-Danlos Syndrome, Classic Type, COL5A1-Related; EDS I; Ehlers-Danlos syndrome, type 1. Identifiers: MedGen C0268335, MONDO:0019567, OMIM 130000.
Osteogenesis imperfecta (OI). Identifiers: Orphanet 666, MedGen C0029434, MeSH D010013, MONDO:0019019.
Ehlers-Danlos syndrome, arthrochalasia type, 2. Also called: EHLERS-DANLOS SYNDROME, TYPE VIIB, AUTOSOMAL DOMINANT. Identifiers: MedGen CN293783, MONDO:0040501, OMIM 617821.

Allele frequency attached by ClinVar (database versions not stated): TOPMed 0.00009; gnomAD exomes 0.00013 and 0.00015; gnomAD 0.00019; ExAC 0.00028.
gnomAD v4.1: 213 of 1,588,656 alleles (0.013%); highest among the groups gnomAD compares: Middle Eastern, 0.017%; no homozygotes.

Submissions (8):

Labcorp Genetics (formerly Invitae), Labcorp
Classification: Likely benign for Osteogenesis imperfecta type I; Ehlers-Danlos syndrome, classic type, 1. Last evaluated: 2026-01-26. Review status: criteria provided, single submitter. Criteria: Invitae Variant Classification Sherloc (09022015). Collection method: clinical testing. Allele origin: germline.

Laboratory of Genetics, Children's Clinical University Hospital Latvia
Classification: Likely benign. Last evaluated: 2025-02-16. Review status: criteria provided, single submitter. Criteria: ACMG Guidelines, 2015. Collection method: clinical testing. Allele origin: germline. Affected: yes.

Blueprint Genetics
Classification: Likely benign. Last evaluated: 2024-08-14. Review status: criteria provided, single submitter. Criteria: ACMG Guidelines, 2015. Collection method: clinical testing. Allele origin: germline.

CeGaT Center for Human Genetics Tuebingen
Classification: Likely benign. Last evaluated: 2021-04-01. Review status: criteria provided, single submitter. Criteria: CeGaT Center For Human Genetics Tuebingen Variant Classification Criteria Version 2. Collection method: clinical testing. Allele origin: germline. Affected: yes. Observed: 2 variant alleles.

GeneDx
Classification: Likely benign. Last evaluated: 2021-02-26. Review status: criteria provided, single submitter. Criteria: GeneDx Variant Classification Process June 2021. Collection method: clinical testing. Allele origin: germline. Affected: yes.

Ambry Genetics
Classification: Likely benign for Cardiovascular phenotype. Last evaluated: 2019-03-19. Review status: criteria provided, single submitter. Criteria: Ambry Variant Classification Scheme 2023. Collection method: clinical testing. Allele origin: germline.

Illumina Laboratory Services, Illumina
Classification: Benign for Ehlers-Danlos syndrome, arthrochalasia type, 2. Last evaluated: 2018-01-13. Review status: criteria provided, single submitter. Criteria: ICSL Variant Classification Criteria 13 December 2019. Collection method: clinical testing. Allele origin: germline.
Comment: This variant was observed in the ICSL laboratory as part of a predisposition screen in an ostensibly healthy population. It had not been previously curated by ICSL or reported in the Human Gene Mutation Database (HGMD: prior to June 1st, 2018), and was therefore a candidate for classification through an automated scoring system. Utilizing variant allele frequency, disease prevalence and penetrance estimates, and inheritance mode, an automated score was calculated to assess if this variant is too frequent to cause the disease. Based on the score and internal cut-off values, a variant classified as benign is not then subjected to further curation. The score for this variant resulted in a classification of benign for this disease.

Illumina Laboratory Services, Illumina
Classification: Likely benign for Osteogenesis imperfecta. Last evaluated: 2018-01-13. Review status: criteria provided, single submitter. Criteria: ICSL Variant Classification Criteria 13 December 2019. Collection method: clinical testing. Allele origin: germline.
Comment: This variant was observed in the ICSL laboratory as part of a predisposition screen in an ostensibly healthy population. It had not been previously curated by ICSL or reported in the Human Gene Mutation Database (HGMD: prior to June 1st, 2018), and was therefore a candidate for classification through an automated scoring system. Utilizing variant allele frequency, disease prevalence and penetrance estimates, and inheritance mode, an automated score was calculated to assess if this variant is too frequent to cause the disease. Based on the score and internal cut-off values, a variant classified as likely benign is not then subjected to further curation. The score for this variant resulted in a classification of likely benign for this disease.

NM_000089.4(COL1A2):c.1866T>C (p.Gly622=)

Gene: COL1A2 (collagen type I alpha 2 chain; plus strand). Cytogenetic location: 7q21.3.
Variant type: single nucleotide variant.
Coding change: c.1866T>C on transcript NM_000089.4 (MANE Select); coding-DNA position 1866, T replaced by C.
Protein change: p.Gly622=; no amino-acid change (glycine 622 retained).
Molecular consequence: synonymous variant.
Genome position (GRCh38, 1-based): chr7:94,417,726, T>C. VCF-style: chr7-94417726-T-C. GRCh37 (hg19) VCF-style: chr7-94047038-T-C.
Identifiers: ClinVar variation 360956 (VCV000360956.57), dbSNP rs765470622, ClinGen allele CA4347220.
Genomic context (GRCh38, chr7:94,417,726, plus strand): 5'-TGATTCTTCATTTTCTTCTTTCTCCACTAAAATTGATTTCACATGTGTTTGACTCAAGGG[T>C]GAACCTGGTGTGGTTGGTGCTGTGGGCACTGCTGGTCCATCTGGTCCTAGTGGACTCCCA-3'
Protein context (NP_000080.2, residues 612-632): SGPPGPDGNK[Gly622=]EPGVVGAVGT